The following is an entry in ClinVar:

ClinVar aggregate classification (germline): Uncertain significance. Review status: criteria provided, multiple submitters, no conflicts (2 of 4 stars). 10 submissions from 7 submitters: Uncertain significance (6). 4 of the submissions do not count toward it. Last evaluated 2024-10-09.

Conditions:
Multiple system atrophy (MSA). Also called: Shy-Drager syndrome. Identifiers: Orphanet 102, MedGen C0393571, MONDO:0007803.
Progressive supranuclear ophthalmoplegia. Identifiers: MedGen C4551862.
Pick disease. Also called: Pick's disease; PICK DISEASE OF BRAIN; DEMENTIA WITH LOBAR ATROPHY AND NEURONAL CYTOPLASMIC INCLUSIONS; Pick Disease of the Brain; LOBAR ATROPHY OF BRAIN. Identifiers: Orphanet 282, MedGen C0236642, MONDO:0008243, OMIM 172700.
Frontotemporal dementia (FTD1). Also called: Frontotemporal lobe dementia (FLDEM); FRONTOTEMPORAL LOBAR DEGENERATION WITH TAU INCLUSIONS; FTLD WITH TAU INCLUSIONS; Frontotemporal Dementia with Parkinsonism-17 (FTDP-17); FRONTOTEMPORAL DEMENTIA WITH PARKINSONISM; FRONTOTEMPORAL LOBE DEMENTIA. Identifiers: Orphanet 282, MedGen C0338451, MONDO:0017276, OMIM 600274, HP:0002145.
MAPT-related disorder. Also called: MAPT-related condition; MAPT-Related Disorders.

Allele frequency attached by ClinVar (database versions not stated): ESP Exome Variant Server 0.00038; gnomAD 0.00038; TOPMed 0.00049; 1000 Genomes Project 0.00060; 1000 Genomes Project 30x 0.00062.
gnomAD v4.1: 439 of 1,608,098 alleles (0.027%); highest among the groups gnomAD compares: Middle Eastern, 0.23%; no homozygotes.

Submissions (10):

Blueprint Genetics
Classification: Uncertain significance. Last evaluated: 2024-10-09. Review status: criteria provided, single submitter. Criteria: ACMG Guidelines, 2015. Collection method: clinical testing. Allele origin: germline.

Genomic Research Center, Shahid Beheshti University of Medical Sciences
Classification: Uncertain significance for Frontotemporal dementia. Last evaluated: 2019-04-27. Review status: criteria provided, single submitter. Criteria: ACMG Guidelines, 2015. Collection method: clinical testing. Allele origin: unknown. Affected: yes.

Genomic Research Center, Shahid Beheshti University of Medical Sciences
Classification: Uncertain significance for Pick disease. Last evaluated: 2019-04-27. Review status: criteria provided, single submitter. Criteria: ACMG Guidelines, 2015. Collection method: clinical testing. Allele origin: unknown. Affected: yes.

Genomic Research Center, Shahid Beheshti University of Medical Sciences
Classification: Uncertain significance for Shy-Drager syndrome. Last evaluated: 2019-04-27. Review status: criteria provided, single submitter. Criteria: ACMG Guidelines, 2015. Collection method: clinical testing. Allele origin: unknown. Affected: yes.

Genomic Research Center, Shahid Beheshti University of Medical Sciences
Classification: Uncertain significance for Progressive supranuclear ophthalmoplegia. Last evaluated: 2019-04-27. Review status: criteria provided, single submitter. Criteria: ACMG Guidelines, 2015. Collection method: clinical testing. Allele origin: unknown. Affected: yes.

Breakthrough Genomics
Classification: Uncertain significance. Review status: criteria provided, single submitter. Criteria: ACMG Guidelines, 2015. Collection method: not provided. Allele origin: germline. Inheritance: Autosomal recessive inheritance. Affected: yes.

PreventionGenetics, part of Exact Sciences
Classification: Likely benign for MAPT-related condition. Last evaluated: 2023-06-01. Review status: no assertion criteria provided. Collection method: clinical testing. Allele origin: germline. Not counted in ClinVar's aggregate classification.
Comment: This variant is classified as likely benign based on ACMG/AMP sequence variant interpretation guidelines (Richards et al. 2015 PMID: 25741868, with internal and published modifications).

Clinical Genetics DNA and cytogenetics Diagnostics Lab, Erasmus MC, Erasmus Medical Center
Classification: Likely benign. Review status: no assertion criteria provided. Collection method: clinical testing. Allele origin: germline. Affected: yes. Study: VKGL Data-share Consensus. Not counted in ClinVar's aggregate classification.

Department of Pathology and Laboratory Medicine, Sinai Health System
Classification: Uncertain significance. Review status: no assertion criteria provided. Collection method: clinical testing. Allele origin: unknown. Affected: yes. Study: The Canadian Open Genetics Repository (COGR). Not counted in ClinVar's aggregate classification.
Comment: The MAPT p.R222S variant was identified in the literature in a patient with early onset frontotemporal lobar degeneration who also had two PPT1 variants (Jeung_2015_PMID:29595823). The variant was identified in dbSNP (ID: rs150983093) and ClinVar (classified as uncertain significance by Genomic Research Center, Shahid Beheshti University of Medical Sciences). The variant was identified in control databases in 80 of 274120 chromosomes at a frequency of 0.0002918 (Genome Aggregation Database March 6, 2019, v2.1.1). The variant was observed in the following populations: African in 22 of 24108 chromosomes (freq: 0.000913), Other in 5 of 7046 chromosomes (freq: 0.00071), Latino in 24 of 35096 chromosomes (freq: 0.000684) and European (non-Finnish) in 29 of 123262 chromosomes (freq: 0.000235), but was not observed in the Ashkenazi Jewish, East Asian, European (Finnish), or South Asian populations. The p.R222 residue is not conserved in mammals and computational analyses (PolyPhen-2, SIFT, MutationTaster, Revel, FATHMM, MetaLR, DANN) do not suggest a high likelihood of impact to the protein; however, this information is not predictive enough to rule out pathogenicity. The variant occurs outside of the splicing consensus sequence and in silico or computational prediction software programs (Splice AI exome) do not predict a difference in splicing. In summary, based on the above information the clinical significance of this variant cannot be determined with certainty at this time. This variant is classified as a variant of uncertain significance.

Diagnostic Laboratory, Department of Genetics, University Medical Center Groningen
Classification: Likely benign. Review status: no assertion criteria provided. Collection method: clinical testing. Allele origin: germline. Affected: yes. Study: VKGL Data-share Consensus. Not counted in ClinVar's aggregate classification.

NM_001377265.1(MAPT):c.889C>A (p.Arg297Ser)

Gene: MAPT (microtubule associated protein tau). Cytogenetic location: 17q21.31.
Variant type: single nucleotide variant.
Coding change: c.889C>A on transcript NM_001377265.1 (MANE Select); coding-DNA position 889, C replaced by A.
Protein change: p.Arg297Ser; replaces arginine 297 with serine.
Molecular consequence: missense variant. On other transcripts: intron variant (8).
Genome position (GRCh38, 1-based): chr17:45,983,468, C>A. VCF-style: chr17-45983468-C-A. GRCh37 (hg19) VCF-style: chr17-44060834-C-A.
Other names: c.664C>A, p.Arg222Ser (NM_001123066.4, NM_016835.5); c.889C>A, p.Arg297Ser (NM_001377266.1); c.200-3572C>A (NM_001377268.1, NM_016834.5, NM_016841.5); c.374-3572C>A (NM_005910.6, NM_001203252.2); c.287-3572C>A (NM_001123067.4, NM_001203251.2, NM_001377267.1); short protein forms R222S, R297S.
Identifiers: ClinVar variation 638372 (VCV000638372.12), dbSNP rs150983093, ClinGen allele CA8617717.